The following is an entry in ClinVar:

NM_001194998.2(CEP152):c.541-1G>C

Gene: CEP152 (centrosomal protein 152; minus strand). Cytogenetic location: 15q21.1.
Variant type: single nucleotide variant.
Coding change: c.541-1G>C on transcript NM_001194998.2 (MANE Select); the canonical splice acceptor site of the intron before coding-DNA position 541, G replaced by C.
Molecular consequence: splice acceptor variant.
Genome position (GRCh38, 1-based): chr15:48,796,161, C>G on the plus strand (G>C on the coding strand, the complement: CEP152 is on the minus strand). VCF-style: chr15-48796161-C-G. GRCh37 (hg19) VCF-style: chr15-49088358-C-G.
Other names: c.541-1G>C (NM_014985.4).
Identifiers: ClinVar variation 2732145 (VCV002732145.3), dbSNP rs2504917048, ClinGen allele CA392357556.

ClinVar aggregate classification (germline): Likely pathogenic (1 of 4 stars; one submission).

Submission:

Labcorp Genetics (formerly Invitae), Labcorp
Classification: Likely pathogenic. Last evaluated: 2023-11-17. Review status: criteria provided, single submitter. Criteria: Invitae Variant Classification Sherloc (09022015). Collection method: clinical testing. Allele origin: germline.
Comment: This sequence change affects an acceptor splice site in intron 5 of the CEP152 gene. It is expected to disrupt RNA splicing. Variants that disrupt the donor or acceptor splice site typically lead to a loss of protein function (PMID: 16199547), and loss-of-function variants in CEP152 are known to be pathogenic (PMID: 21131973). This variant is not present in population databases (gnomAD no frequency). This variant has not been reported in the literature in individuals affected with CEP152-related conditions. Algorithms developed to predict the effect of sequence changes on RNA splicing suggest that this variant may disrupt the consensus splice site. In summary, the currently available evidence indicates that the variant is pathogenic, but additional data are needed to prove that conclusively. Therefore, this variant has been classified as Likely Pathogenic.

Literature cited by the submitters: PubMed 16199547; PubMed 21131973.